The following is an entry in ClinVar:

ClinVar aggregate classification (germline): Pathogenic (1 of 4 stars; one submission).

Submission:

GeneDx
Classification: Pathogenic. Last evaluated: 2026-02-20. Review status: criteria provided, single submitter. Criteria: GeneDx Variant Classification Process June 2021. Collection method: clinical testing. Allele origin: germline.
Comment: Not observed at significant frequency in large population cohorts (gnomAD); In silico analysis supports that this missense variant has a deleterious effect on protein structure/function; This variant is associated with the following publications: (PMID: 35202563)

NM_003545.4(H4C5):c.113T>C (p.Leu38Pro)

Genes: H4C5 (H4 clustered histone 5; plus strand), LOC129996027 (ATAC-STARR-seq lymphoblastoid active region 24208; plus strand). Cytogenetic location: 6p22.2.
Variant type: single nucleotide variant.
Coding change: c.113T>C on transcript NM_003545.4 (MANE Select); coding-DNA position 113, T replaced by C.
Protein change: p.Leu38Pro; replaces leucine 38 with proline.
Molecular consequence: missense variant.
Genome position (GRCh38, 1-based): chr6:26,204,757, T>C. VCF-style: chr6-26204757-T-C. GRCh37 (hg19) VCF-style: chr6-26204985-T-C.
Other names: short protein forms L38P.
Identifiers: ClinVar variation 4891306 (VCV004891306.1).